The following is an entry in ClinVar:

ClinVar aggregate classification (germline): Pathogenic (1 of 4 stars; one submission).

Conditions:
Fanconi anemia (FA). Also called: Fanconi's anemia. Identifiers: Orphanet 84, MedGen C0015625, MeSH D005199, MONDO:0019391.

Submission:

Labcorp Genetics (formerly Invitae), Labcorp
Classification: Pathogenic for Fanconi anemia. Last evaluated: 2021-08-12. Review status: criteria provided, single submitter. Criteria: Invitae Variant Classification Sherloc (09022015). Collection method: clinical testing. Allele origin: germline.
Comment: This sequence change creates a premature translational stop signal (p.Ser464*) in the FANCI gene. It is expected to result in an absent or disrupted protein product. Loss-of-function variants in FANCI are known to be pathogenic (PMID: 17452773, 17460694). This variant is not present in population databases (ExAC no frequency). This variant has not been reported in the literature in individuals affected with FANCI-related conditions. For these reasons, this variant has been classified as Pathogenic.

Literature cited by the submitters: PubMed 17452773; PubMed 17460694.

NM_001113378.2(FANCI):c.1391C>A (p.Ser464Ter)

Gene: FANCI (FA complementation group I; plus strand). Cytogenetic location: 15q26.1.
Variant type: single nucleotide variant.
Coding change: c.1391C>A on transcript NM_001113378.2 (MANE Select); coding-DNA position 1391, C replaced by A.
Protein change: p.Ser464Ter; replaces serine 464 with a stop codon.
Molecular consequence: nonsense.
Genome position (GRCh38, 1-based): chr15:89,281,179, C>A. VCF-style: chr15-89281179-C-A. GRCh37 (hg19) VCF-style: chr15-89824410-C-A.
Other names: c.1112C>A, p.Ser371Ter (NM_001376910.1); c.1391C>A, p.Ser464Ter (NM_001376911.1, NM_018193.3); short protein forms S371*, S464*.
Identifiers: ClinVar variation 1459135 (VCV001459135.3), dbSNP rs2151549770, ClinGen allele CA393743486.
Genomic context (GRCh38, chr15:89,281,179, plus strand): 5'-TCAGTTATCTTTAGTTATTTGAGACAACTGATTATAGATTCTGTTTTTCAGACCTGCTTT[C>A]AAATATCGTCATGTATGCACCCTTAGTTCTTCAAAGTTGTTCTTCTAAAGTCACAGAAGC-3'